The following is an entry in ClinVar:

ClinVar aggregate classification (germline): Pathogenic. Review status: reviewed by expert panel (3 of 4 stars). 14 submissions from 13 submitters: Pathogenic (1). 13 of the submissions do not count toward it. Last evaluated 2017-03-17.

Conditions:
CFTR-related disorder (CFTR-RD). Also called: CFTR-related condition; CFTR-related disorders. Identifiers: MedGen C5924204, MONDO:7770004.
Hereditary pancreatitis (PCTT). Also called: PRSS1-Related Hereditary Pancreatitis; Hereditary chronic pancreatitis. Identifiers: Orphanet 676, MedGen C0238339, MONDO:0008185, OMIM 167800.
Congenital bilateral aplasia of vas deferens from CFTR mutation (CBAVD). Identifiers: Orphanet 48, MedGen C0403814, MONDO:0010178, OMIM 277180. Disease mechanism: loss of function.
Bronchiectasis with or without elevated sweat chloride 1 (BESC1). Also called: Cystic Fibrosis-Like Syndrome. Identifiers: Orphanet 60033, MedGen C2749757, MONDO:0008887, OMIM 211400.
Cystic fibrosis (CF). Also called: MUCOVISCIDOSIS. Identifiers: Orphanet 586, MedGen C0010674, MONDO:0009061, OMIM 219700. Disease mechanism: loss of function.

Allele frequency attached by ClinVar (database versions not stated): gnomAD exomes below 0.00001 and 0.00002; gnomAD 0.00003.

Submissions (14):

CFTR2
Classification: Pathogenic for Cystic fibrosis. Last evaluated: 2017-03-17. Review status: reviewed by expert panel. Criteria: Sosnay PR et al. (Nat Genet 2013). Collection method: research. Allele origin: germline. Affected: yes. Study: CFTR2.

Labcorp Genetics (formerly Invitae), Labcorp
Classification: Pathogenic for Cystic fibrosis. Last evaluated: 2025-10-21. Review status: criteria provided, single submitter. Criteria: Invitae Variant Classification Sherloc (09022015). Collection method: clinical testing. Allele origin: germline. Not counted in ClinVar's aggregate classification.
Comment: This sequence change creates a premature translational stop signal (p.Ser489*) in the CFTR gene. It is expected to result in an absent or disrupted protein product. Loss-of-function variants in CFTR are known to be pathogenic (PMID: 1695717, 7691345, 9725922). This variant is present in population databases (rs397508211, gnomAD 0.002%). This premature translational stop signal has been observed in individual(s) with cystic fibrosis (PMID: 21520337, 22627569, 23974870). ClinVar contains an entry for this variant (Variation ID: 53259). For these reasons, this variant has been classified as Pathogenic.

Natera, Inc.
Classification: Pathogenic for CFTR-related disorders. Last evaluated: 2024-08-24. Review status: criteria provided, single submitter. Criteria: Natera Variant Classification Schema (03/2026). Collection method: clinical testing. Allele origin: germline. Not counted in ClinVar's aggregate classification.
Comment: The c.1466C>A variant in CFTR is a nonsense variant predicted to introduce a stop codon at amino acid 489. This variant is expected to result in nonsense mediated decay, truncation, or a dysfunctional protein product. This variant is rare in the general population with a frequency below the threshold expected for the associated phenotype(s). This variant has been observed in one or more individuals affected with the associated recessive disease, as either homozygous or compound heterozygous with a second variant (PMID: 22627569). Additionally, this variant has been observed to segregate in affected family members (PMID: 22627569). Given the available evidence, this variant is classified as Pathogenic.

Fulgent Genetics
Classification: Pathogenic for Hereditary pancreatitis; Bronchiectasis with or without elevated sweat chloride 1; Cystic fibrosis; Congenital bilateral aplasia of vas deferens from CFTR mutation. Last evaluated: 2024-05-20. Review status: criteria provided, single submitter. Criteria: ACMG Guidelines, 2015. Collection method: clinical testing. Allele origin: germline. Not counted in ClinVar's aggregate classification.

Baylor Genetics
Classification: Pathogenic for Bronchiectasis with or without elevated sweat chloride 1. Last evaluated: 2024-02-18. Review status: criteria provided, single submitter. Criteria: ACMG Guidelines, 2015. Collection method: clinical testing. Allele origin: unknown. Not counted in ClinVar's aggregate classification.

Women's Health and Genetics/Laboratory Corporation of America, LabCorp
Classification: Pathogenic for Cystic fibrosis. Last evaluated: 2023-06-12. Review status: criteria provided, single submitter. Criteria: LabCorp Variant Classification Summary - May 2015. Collection method: clinical testing. Allele origin: germline. Not counted in ClinVar's aggregate classification.
Comment: Variant summary: CFTR c.1466C>A (p.Ser489X) results in a premature termination codon, predicted to cause a truncation of the encoded protein or absence of the protein due to nonsense mediated decay, which are commonly known mechanisms for disease. The variant allele was found at a frequency of 4e-06 in 251332 control chromosomes. c.1466C>A has been reported in the literature in a homozygous individual and multiple compound heterozygous individuals affected with Cystic Fibrosis (Example: DeBie_2012). These data indicate that the variant is very likely to be associated with disease. To our knowledge, no experimental evidence demonstrating an impact on protein function has been reported. The following publication have been ascertained in the context of this evaluation (PMID: 22627569). Seven clinical diagnostic laboratories have submitted clinical-significance assessments for this variant to ClinVar after 2014 without evidence for independent evaluation. All laboratories classified the variant as pathogenic. Based on the evidence outlined above, the variant was classified as pathogenic.

Blueprint Genetics
Classification: Pathogenic for CFTR-related disorders. Last evaluated: 2023-05-26. Review status: criteria provided, single submitter. Criteria: ACMG Guidelines, 2015. Collection method: clinical testing. Allele origin: germline. Affected: yes. Observed: 2 variant alleles. Not counted in ClinVar's aggregate classification.

Ambry Genetics
Classification: Pathogenic for Cystic fibrosis. Last evaluated: 2022-06-13. Review status: criteria provided, single submitter. Criteria: Ambry Variant Classification Scheme 2023. Collection method: clinical testing. Allele origin: germline. Not counted in ClinVar's aggregate classification.
Comment: The p.S489* pathogenic mutation (also known as c.1466C>A), located in coding exon 11 of the CFTR gene, results from a C to A substitution at nucleotide position 1466. This changes the amino acid from a serine to a stop codon within coding exon 11. In one study, this mutation was described as compound heterozygous in 12 individuals with another pathogenic mutation and as homozygous in one individual all with classic cystic fibrosis (De Bie I et al. Genet Med. 2012;14(10):883-886). This mutation has also been observed in an individual with congenital bilateral absence of the vas deferens (Steiner B et al. Hum Mutat. 2011;32(8):912-20). Affected individuals carrying this pathogenic mutation had elevated sweat chloride levels, pancreatic insufficiency, and higher rates of Pseduomonas infection (Sosnay PR et al. Nat Genet. 2013;45(10):1160-1167 and The Clinical and Functional Translation of CFTR (CFTR2); available at CFTR2. Accessed June 13, 2022). In addition to the clinical data presented in the literature, this alteration is expected to result in loss of function by premature protein truncation or nonsense-mediated mRNA decay. As such, this alteration is interpreted as a disease-causing mutation.

Genome Diagnostics Laboratory, The Hospital for Sick Children
Classification: Pathogenic for Cystic fibrosis. Last evaluated: 2019-07-23. Review status: criteria provided, single submitter. Criteria: ACMG Guidelines, 2015. Collection method: clinical testing. Allele origin: germline. Not counted in ClinVar's aggregate classification.

CFTR-France
Classification: Pathogenic for cystic fibrosis. Last evaluated: 2018-01-29. Review status: criteria provided, single submitter. Criteria: Claustres M et al. (Hum Mutat 2017). Collection method: curation. Allele origin: germline. Affected: yes. Not counted in ClinVar's aggregate classification.

Genome Diagnostics Laboratory, The Hospital for Sick Children
Classification: Pathogenic for CFTR-related disorders. Last evaluated: 2019-07-23. Review status: no assertion criteria provided. Collection method: clinical testing. Allele origin: germline. Not counted in ClinVar's aggregate classification.

Counsyl
Classification: Pathogenic for Cystic fibrosis. Last evaluated: 2016-08-18. Review status: no assertion criteria provided. Collection method: clinical testing. Allele origin: unknown. Not counted in ClinVar's aggregate classification.

Clinical Genetics DNA and cytogenetics Diagnostics Lab, Erasmus MC, Erasmus Medical Center
Classification: Pathogenic. Review status: no assertion criteria provided. Collection method: clinical testing. Allele origin: germline. Affected: yes. Study: VKGL Data-share Consensus. Not counted in ClinVar's aggregate classification.

Diagnostic Laboratory, Department of Genetics, University Medical Center Groningen
Classification: Pathogenic. Review status: no assertion criteria provided. Collection method: clinical testing. Allele origin: germline. Affected: yes. Study: VKGL Data-share Consensus. Not counted in ClinVar's aggregate classification.

Literature cited by the submitters: PubMed 1695717 (cited by Labcorp Genetics (formerly Invitae), Labcorp); PubMed 7691345 (cited by Labcorp Genetics (formerly Invitae), Labcorp); PubMed 9725922 (cited by Labcorp Genetics (formerly Invitae), Labcorp); PubMed 21520337 (cited by Labcorp Genetics (formerly Invitae), Labcorp); PubMed 22627569 (cited by 3 submitters); PubMed 23974870 (cited by Labcorp Genetics (formerly Invitae), Labcorp and Counsyl); PubMed 15246977 (cited by Counsyl).

NM_000492.4(CFTR):c.1466C>A (p.Ser489Ter)

Genes: CFTR (CF transmembrane conductance regulator; plus strand), CFTR-AS1 (CFTR antisense RNA 1; minus strand). Cytogenetic location: 7q31.2.
Variant type: single nucleotide variant.
Coding change: c.1466C>A on transcript NM_000492.4 (MANE Select); coding-DNA position 1466, C replaced by A.
Protein change: p.Ser489Ter; replaces serine 489 with a stop codon.
Molecular consequence: nonsense.
Genome position (GRCh38, 1-based): chr7:117,559,537, C>A. VCF-style: chr7-117559537-C-A. GRCh37 (hg19) VCF-style: chr7-117199591-C-A.
Other names: short protein forms S489*.
Identifiers: ClinVar variation 53259 (VCV000053259.27), dbSNP rs397508211, ClinGen allele CA328087.